The following is an entry in ClinVar:

NM_001457.4(FLNB):c.2896G>A (p.Val966Ile)

Gene: FLNB (filamin B; plus strand). Cytogenetic location: 3p14.3.
Variant type: single nucleotide variant.
Coding change: c.2896G>A on transcript NM_001457.4 (MANE Select); coding-DNA position 2896, G replaced by A.
Protein change: p.Val966Ile; replaces valine 966 with isoleucine.
Molecular consequence: missense variant.
Genome position (GRCh38, 1-based): chr3:58,121,273, G>A. VCF-style: chr3-58121273-G-A. GRCh37 (hg19) VCF-style: chr3-58107000-G-A.
Other names: c.2896G>A, p.Val966Ile (NM_001164317.2, NM_001164318.2, NM_001164319.2); short protein forms V966I.
Identifiers: ClinVar variation 1991117 (VCV001991117.4), dbSNP rs772747273, ClinGen allele CA2468272.

ClinVar aggregate classification (germline): Uncertain significance (1 of 4 stars; one submission).

Allele frequency attached by ClinVar (database versions not stated): TOPMed 0.00001; ExAC 0.00002; gnomAD 0.00002.
gnomAD v4.1: 31 of 1,614,014 alleles (0.0019%); highest among the groups gnomAD compares: Non-Finnish European, 0.0024%; no homozygotes.

Submission:

Labcorp Genetics (formerly Invitae), Labcorp
Classification: Uncertain significance. Last evaluated: 2025-12-24. Review status: criteria provided, single submitter. Criteria: Invitae Variant Classification Sherloc (09022015). Collection method: clinical testing. Allele origin: germline.
Comment: This sequence change replaces valine, which is neutral and non-polar, with isoleucine, which is neutral and non-polar, at codon 966 of the FLNB protein (p.Val966Ile). This variant is present in population databases (rs772747273, gnomAD 0.003%). This variant has not been reported in the literature in individuals affected with FLNB-related conditions. ClinVar contains an entry for this variant (Variation ID: 1991117). Invitae Evidence Modeling of protein sequence and biophysical properties (such as structural, functional, and spatial information, amino acid conservation, physicochemical variation, residue mobility, and thermodynamic stability) indicates that this missense variant is not expected to disrupt FLNB protein function with a negative predictive value of 95%. In summary, the available evidence is currently insufficient to determine the role of this variant in disease. Therefore, it has been classified as a Variant of Uncertain Significance.